The following is an entry in ClinVar:

NM_001267550.2(TTN):c.84007_84008del (p.Thr28002_Leu28003insTer)

Genes: TTN (titin; minus strand), TTN-AS1 (TTN antisense RNA 1; plus strand). Cytogenetic location: 2q31.2.
Variant type: Microsatellite.
Coding change: c.84007_84008del on transcript NM_001267550.2 (MANE Select); coding-DNA positions 84007 to 84008, 2 bases deleted (CT; older notation c.84007_84008delCT).
Protein change: p.Thr28002_Leu28003insTer.
Molecular consequence: nonsense.
Genome position (GRCh38, 1-based): chr2:178,562,124-178,562,125, AG deleted on the plus strand (CT on the coding strand, the reverse complement: TTN is on the minus strand); deleting any 2 consecutive bases within chr2:178,562,124-178,562,127 gives the same sequence; the c. name uses the placement nearest the transcript's 3' end. VCF-style (leftmost placement, unchanged base first): chr2-178562123-AAG-A. GRCh37 (hg19) VCF-style: chr2-179426850-AAG-A.
Other names: c.79084_79085del, p.Thr26361_Leu26362insTer (NM_001256850.1); c.56812_56813del, p.Thr18937_Leu18938insTer (NM_003319.4); c.76303_76304del, p.Thr25434_Leu25435insTer (NM_133378.4); c.57187_57188del, p.Thr19062_Leu19063insTer (NM_133432.3); c.57388_57389del, p.Thr19129_Leu19130insTer (NM_133437.4); c.56812_56813delCT (NM_003319.4).
Identifiers: ClinVar variation 4193720 (VCV004193720.1).

ClinVar aggregate classification (germline): Likely pathogenic (1 of 4 stars; one submission).

Conditions:
Cardiovascular phenotype. Identifiers: MedGen CN230736.

Submission:

Ambry Genetics
Classification: Likely pathogenic for Cardiovascular phenotype. Last evaluated: 2025-07-10. Review status: criteria provided, single submitter. Criteria: Ambry Variant Classification Scheme 2023. Collection method: clinical testing. Allele origin: germline.
Comment: The c.56812_56813delCT variant, located in coding exon 153 of the TTN gene, results from a deletion of two nucleotides at nucleotide positions 56812 to 56813, causing a translational frameshift with a predicted alternate stop codon (p.L18938*). This exon is located in the A-band region of the N2-B isoform of the titin protein and is constitutively expressed in TTN transcripts (percent spliced in or PSI 100%). This variant is considered to be rare based on population cohorts in the Genome Aggregation Database (gnomAD). This variant is expected to result in loss of function by premature protein truncation or nonsense-mediated mRNA decay. While truncating variants in TTN are present in 1-3% of the general population, truncating variants in the A-band are the most common cause of dilated cardiomyopathy (Herman DS et al. N. Engl. J. Med., 2012 Feb;366:619-28; Roberts AM et al. Sci Transl Med, 2015 Jan;7:270ra6). TTN truncating variants encoded in constitutive exons (PSI >90%) have been found to be significantly associated with DCM regardless of their position in titin (Schafer S et al. Nat. Genet., 2017 01;49:46-53; Akhtar MM et al. Circ Heart Fail, 2020 Oct;13:e006832; Massier M et al. Clin Genet, 2025 Jan). Based on the majority of available evidence to date, this variant is likely to be pathogenic.